The following is an entry in ClinVar:

NM_000117.3(EMD):c.275A>G (p.Asp92Gly)

Gene: EMD (emerin; plus strand). Cytogenetic location: Xq28.
Variant type: single nucleotide variant.
Coding change: c.275A>G on transcript NM_000117.3 (MANE Select); coding-DNA position 275, A replaced by G.
Protein change: p.Asp92Gly; replaces aspartic acid 92 with glycine.
Molecular consequence: missense variant.
Genome position (GRCh38, 1-based): chrX:154,380,243, A>G. VCF-style: chrX-154380243-A-G. GRCh37 (hg19) VCF-style: chrX-153608603-A-G.
Other names: short protein forms D92G.
Identifiers: ClinVar variation 3721150 (VCV003721150.2).

ClinVar aggregate classification (germline): Uncertain significance (1 of 4 stars; one submission).

Conditions:
X-linked Emery-Dreifuss muscular dystrophy. Also called: Muscular dystrophy, tardive Emery-Dreifuss type, with contractures. Identifiers: Orphanet 261, Orphanet 98863, MedGen C0751337, MONDO:0010680.

Submission:

Labcorp Genetics (formerly Invitae), Labcorp
Classification: Uncertain significance for X-linked Emery-Dreifuss muscular dystrophy. Last evaluated: 2025-05-27. Review status: criteria provided, single submitter. Criteria: Invitae Variant Classification Sherloc (09022015). Collection method: clinical testing. Allele origin: germline.
Comment: This sequence change replaces aspartic acid, which is acidic and polar, with glycine, which is neutral and non-polar, at codon 92 of the EMD protein (p.Asp92Gly). This variant is not present in population databases (gnomAD no frequency). This variant has not been reported in the literature in individuals affected with EMD-related conditions. ClinVar contains an entry for this variant (Variation ID: 3721150). Invitae Evidence Modeling of protein sequence and biophysical properties (such as structural, functional, and spatial information, amino acid conservation, physicochemical variation, residue mobility, and thermodynamic stability) indicates that this missense variant is not expected to disrupt EMD protein function with a negative predictive value of 80%. In summary, the available evidence is currently insufficient to determine the role of this variant in disease. Therefore, it has been classified as a Variant of Uncertain Significance.